The following is an entry in ClinVar:

ClinVar aggregate classification (germline): Uncertain significance. Review status: criteria provided, multiple submitters, no conflicts (2 of 4 stars). 8 submissions from 8 submitters: Uncertain significance (7). 1 of the submissions does not count toward it. Last evaluated 2026-07-17.

Conditions:
CDKN2A-related disorder. Also called: CDKN2A-related condition.
Melanoma-pancreatic cancer syndrome. Identifiers: Orphanet 404560, MedGen C1838547, MONDO:0011713, OMIM 606719. Disease mechanism: loss of function.
Melanoma, cutaneous malignant, susceptibility to, 2 (CMM2). Also called: Cutaneous malignant melanoma 2; CDKN2A-Related Cutaneous Malignant Melanoma. Identifiers: Orphanet 618, MedGen C1835044, MONDO:0007964, OMIM 155601.
Melanoma and neural system tumor syndrome. Also called: MELANOMA-ASTROCYTOMA SYNDROME. Identifiers: Orphanet 252206, MedGen C1835042, MONDO:0007967, OMIM 155755.

Allele frequency attached by ClinVar (database versions not stated): gnomAD 0.00069; TOPMed 0.00066.
gnomAD v4.1: 100 of 151,948 alleles (0.066%); highest among the groups gnomAD compares: Non-Finnish European, 0.11%; no homozygotes.

Submissions (8):

PreventionGenetics, part of Exact Sciences
Classification: Uncertain significance for CDKN2A-related condition. Last evaluated: 2026-07-17. Review status: criteria provided, single submitter. Criteria: ACMG Guidelines, 2015. Collection method: clinical testing. Allele origin: germline.
Comment: The CDKN2A c.150+1104C>A variant is predicted to interfere with splicing. This variant is referred to as c.194-2366C>A (Intronic) within the alternative p14ARF transcript, NM_058195.3. This variant has been observed in an individual with melanoma, and was shown to result in aberrant splicing of p16INK4a and p14ARF mRNAs (Table 1b, Figures 2 and 3, Harland et al. 2005. PubMed ID: 15761864). It has also been identified in other individuals with melanoma and high nevi count (Helsing et al. 2008. PubMed ID: 18023021; Taylor et al. 2017. PubMed ID: 28830827). This variant is reported in 0.084% of alleles in individuals of European (Non-Finnish) descent in gnomAD and is reported in ClinVar as a variant of uncertain significance (Variation ID: 220864). At this time, the clinical significance of this variant is uncertain due to the absence of conclusive functional and genetic evidence.

St. Jude Molecular Pathology, St. Jude Children's Research Hospital
Classification: Uncertain significance for Melanoma-pancreatic cancer syndrome. Last evaluated: 2026-02-20. Review status: criteria provided, single submitter. Criteria: St. Jude Assertion Criteria 2020. Collection method: clinical testing. Allele origin: germline.
Comment: the CDKN2A gene. Algorithms that predict the impact of sequence changes on splicing indicate that this change has no impact on splicing. RNA studies have shown that this variant activates a cryptic splice site and causes abnormal splicing (PMID: 15761864). This variant has a maximum subpopulation frequency of 0.08% in gnomAD v2.1.1 (g). This variant has been reported in individuals with a family history of melanoma (PMID: 15761864, 28830827). In summary, the evidence currently available is insufficient to determine the clinical significance of this variant. It has therefore been cla ssified as of uncertain significance.

GeneDx
Classification: Uncertain significance. Last evaluated: 2025-03-21. Review status: criteria provided, single submitter. Criteria: GeneDx Variant Classification Process June 2021. Collection method: clinical testing. Allele origin: germline. Affected: yes.
Comment: RNA studies suggest this variant is associated with aberrant splicing (PMID: 15761864, 28830827); Observed in an individual with a personal history of melanoma (PMID: 15761864); In silico analysis indicates that this variant does not alter splicing; This variant is associated with the following publications: (PMID: 17351674, 18023021, 28830827, 15761864)

Blueprint Genetics
Classification: Uncertain significance. Last evaluated: 2024-11-25. Review status: criteria provided, single submitter. Criteria: ACMG Guidelines, 2015. Collection method: clinical testing. Allele origin: germline.

Baylor Genetics
Classification: Uncertain significance for Melanoma and neural system tumor syndrome. Last evaluated: 2024-03-29. Review status: criteria provided, single submitter. Criteria: ACMG Guidelines, 2015. Collection method: clinical testing. Allele origin: unknown.

Department of Pathology and Laboratory Medicine, Sinai Health System
Classification: Uncertain significance for Melanoma, cutaneous malignant, susceptibility to, 2; Melanoma and neural system tumor syndrome; Melanoma-pancreatic cancer syndrome. Last evaluated: 2022-11-08. Review status: criteria provided, single submitter. Criteria: ACMG Guidelines, 2015. Collection method: clinical testing. Allele origin: germline. Affected: yes.

Quest Diagnostics Nichols Institute San Juan Capistrano
Classification: Uncertain significance. Last evaluated: 2016-07-06. Review status: criteria provided, single submitter. Criteria: Quest Diagnostics criteria. Collection method: clinical testing. Allele origin: germline.

Counsyl
Classification: Uncertain significance for Melanoma-pancreatic cancer syndrome. Last evaluated: 2016-07-22. Review status: no assertion criteria provided. Collection method: clinical testing. Allele origin: unknown. Not counted in ClinVar's aggregate classification.

Literature cited by the submitters: PubMed 15761864 (cited by 3 submitters); PubMed 28830827 (cited by Department of Pathology and Laboratory Medicine, Sinai Health System); PubMed 18023021 (cited by Quest Diagnostics Nichols Institute San Juan Capistrano).

NM_000077.5(CDKN2A):c.150+1104C>A

Gene: CDKN2A (cyclin dependent kinase inhibitor 2A; minus strand). Cytogenetic location: 9p21.3.
Variant type: single nucleotide variant.
Coding change: c.150+1104C>A on transcript NM_000077.5 (MANE Select); 1104 bases into the intron after coding-DNA position 150, C replaced by A.
Molecular consequence: intron variant.
Genome position (GRCh38, 1-based): chr9:21,973,574, G>T on the plus strand (C>A on the coding strand, the complement: CDKN2A is on the minus strand). VCF-style: chr9-21973574-G-T. GRCh37 (hg19) VCF-style: chr9-21973573-G-T.
Other names: c.-3-2366C>A (NM_001363763.2); c.194-2366C>A (NM_058195.4); c.150+1104C>A (NM_001195132.2); c.*73+830C>A (NM_058197.5).
Identifiers: ClinVar variation 220864 (VCV000220864.21), dbSNP rs756102261, ClinGen allele CA350214.